The following is an entry in ClinVar:

NM_001377295.2(GNAT2):c.19G>T (p.Ala7Ser)

Gene: GNAT2 (G protein subunit alpha transducin 2; minus strand). Cytogenetic location: 1p13.3.
Variant type: single nucleotide variant.
Coding change: c.19G>T on transcript NM_001377295.2 (MANE Select); coding-DNA position 19, G replaced by T.
Protein change: p.Ala7Ser; replaces alanine 7 with serine.
Molecular consequence: missense variant.
Genome position (GRCh38, 1-based): chr1:109,612,852, C>A on the plus strand (G>T on the coding strand, the complement: GNAT2 is on the minus strand). VCF-style: chr1-109612852-C-A. GRCh37 (hg19) VCF-style: chr1-110155474-C-A.
Other names: c.19G>T, p.Ala7Ser (NM_001379232.1, NM_005272.5); short protein forms A7S.
Identifiers: ClinVar variation 1041070 (VCV001041070.8), dbSNP rs1243191534, ClinGen allele CA341543705.

ClinVar aggregate classification (germline): Uncertain significance (1 of 4 stars; one submission).

Submission:

Labcorp Genetics (formerly Invitae), Labcorp
Classification: Uncertain significance. Last evaluated: 2022-07-05. Review status: criteria provided, single submitter. Criteria: Invitae Variant Classification Sherloc (09022015). Collection method: clinical testing. Allele origin: germline.
Comment: In summary, the available evidence is currently insufficient to determine the role of this variant in disease. Therefore, it has been classified as a Variant of Uncertain Significance. Advanced modeling of protein sequence and biophysical properties (such as structural, functional, and spatial information, amino acid conservation, physicochemical variation, residue mobility, and thermodynamic stability) performed at Invitae indicates that this missense variant is not expected to disrupt GNAT2 protein function. ClinVar contains an entry for this variant (Variation ID: 1041070). This variant has not been reported in the literature in individuals affected with GNAT2-related conditions. This variant is not present in population databases (gnomAD no frequency). This sequence change replaces alanine, which is neutral and non-polar, with serine, which is neutral and polar, at codon 7 of the GNAT2 protein (p.Ala7Ser).